The following is an entry in ClinVar:

NM_000051.4(ATM):c.8987+1G>A

Genes: ATM (ATM serine/threonine kinase; plus strand), C11orf65 (chromosome 11 open reading frame 65; minus strand). Cytogenetic location: 11q22.3.
Variant type: single nucleotide variant.
Coding change: c.8987+1G>A on transcript NM_000051.4 (MANE Select); the canonical splice donor site of the intron after coding-DNA position 8987, G replaced by A.
Molecular consequence: splice donor variant. On other transcripts: intron variant (2).
Genome position (GRCh38, 1-based): chr11:108,365,219, G>A. VCF-style: chr11-108365219-G-A. GRCh37 (hg19) VCF-style: chr11-108235946-G-A.
Other names: c.8987+1G>A (NM_001351834.2); c.640+20701C>T (NM_001330368.2); c.694+20701C>T (NM_001351110.2).
Identifiers: ClinVar variation 1453180 (VCV001453180.11), dbSNP rs786203631, ClinGen allele CA382530595.

ClinVar aggregate classification (germline): Pathogenic/Likely pathogenic. Review status: criteria provided, multiple submitters, no conflicts (2 of 4 stars). 3 submissions from 3 submitters: Pathogenic (1); Likely pathogenic (2). Last evaluated 2026-03-02.

Conditions:
Ataxia-telangiectasia syndrome (AT). Also called: Ataxia-telangiectasia; LOUIS-BAR SYNDROME; Ataxia-telangiectasia, complementation group D; AT, COMPLEMENTATION GROUP C; ATAXIA-TELANGIECTASIA, COMPLEMENTATION GROUP A; ATAXIA-TELANGIECTASIA, FRESNO VARIANT. Identifiers: Orphanet 100, MedGen C0004135, MONDO:0008840, OMIM 208900.
ATM-related cancer predisposition. Also called: ATM-related cancer susceptibility. Identifiers: MedGen CN377759, MONDO:0700270.
Hereditary cancer-predisposing syndrome. Also called: Tumor predisposition; Neoplastic Syndromes, Hereditary; Hereditary Cancer Syndrome; Hereditary neoplastic syndrome. Identifiers: Orphanet 140162, MedGen C0027672, MeSH D009386, MONDO:0015356.

Allele frequency attached by ClinVar (database versions not stated): gnomAD exomes below 0.00001.
gnomAD v4.1: 1 of 1,614,164 alleles (0.000062%); highest among the groups gnomAD compares: African/African-American, 0.0013%; no homozygotes.

Submissions (3):

Dasa
Classification: Likely pathogenic for ATM-related cancer predisposition. Last evaluated: 2026-03-02. Review status: criteria provided, single submitter. Criteria: DASA Assertion Criteria. Collection method: clinical testing. Allele origin: germline.
Comment: NM_000051.4(ATM):c.8987+1G>A affects a canonical splice site and is predicted to disrupt normal RNA splicing. Loss of function is an established disease mechanism for ATM (PMID: 3574400; PMID: 27595995; PMID: 15928302). Published studies describe this variant in association with ATM-related cancer predisposition (PMID: 10425038). Also, this variant is rare in population databases. Based on the currently available evidence, this variant is classified as likely pathogenic.

Ambry Genetics
Classification: Likely pathogenic for Hereditary cancer-predisposing syndrome. Last evaluated: 2025-08-29. Review status: criteria provided, single submitter. Criteria: Ambry Variant Classification Scheme 2023. Collection method: clinical testing. Allele origin: germline.
Comment: The c.8987+1G>A intronic variant results from a G to A substitution one nucleotide after coding exon 61 of the ATM gene. This variant is considered to be rare based on population cohorts in the Genome Aggregation Database (gnomAD). This nucleotide position is highly conserved in available vertebrate species. In silico splice site analysis predicts that this alteration will weaken the native splice donor site and will result in the creation or strengthening of a novel splice donor site. Alterations that disrupt the canonical splice site are expected to cause aberrant splicing, resulting in an abnormal protein or a transcript that is subject to nonsense-mediated mRNA decay. As such, this alteration is classified as likely pathogenic.

Labcorp Genetics (formerly Invitae), Labcorp
Classification: Pathogenic for Ataxia-telangiectasia syndrome. Last evaluated: 2024-05-13. Review status: criteria provided, single submitter. Criteria: Invitae Variant Classification Sherloc (09022015). Collection method: clinical testing. Allele origin: germline.
Comment: This sequence change affects a donor splice site in intron 62 of the ATM gene. While this variant is not anticipated to result in nonsense mediated decay, it likely alters RNA splicing and results in a disrupted protein product. This variant is not present in population databases (gnomAD no frequency). Disruption of this splice site has been observed in individual(s) with ataxia-telangiectasia (PMID: 10425038). ClinVar contains an entry for this variant (Variation ID: 1453180). Variants that disrupt the consensus splice site are a relatively common cause of aberrant splicing (PMID: 17576681, 9536098). Algorithms developed to predict the effect of sequence changes on RNA splicing suggest that this variant may disrupt the consensus splice site. This variant disrupts a region of the ATM protein in which other variant(s) (p.Arg3047*) have been determined to be pathogenic (Invitae). This suggests that this is a clinically significant region of the protein, and that variants that disrupt it are likely to be disease-causing. For these reasons, this variant has been classified as Pathogenic.

Literature cited by the submitters: PubMed 10425038 (cited by Dasa and Labcorp Genetics (formerly Invitae), Labcorp); PubMed 3574400 (cited by Dasa); PubMed 27595995 (cited by Dasa); PubMed 15928302 (cited by Dasa); PubMed 17576681 (cited by Labcorp Genetics (formerly Invitae), Labcorp); PubMed 9536098 (cited by Labcorp Genetics (formerly Invitae), Labcorp).